The following is an entry in ClinVar:

NM_020937.4(FANCM):c.969A>T (p.Arg323Ser)

Gene: FANCM (FA complementation group M; plus strand). Cytogenetic location: 14q21.2.
Variant type: single nucleotide variant.
Coding change: c.969A>T on transcript NM_020937.4 (MANE Select); coding-DNA position 969, A replaced by T.
Protein change: p.Arg323Ser; replaces arginine 323 with serine.
Molecular consequence: missense variant.
Genome position (GRCh38, 1-based): chr14:45,151,447, A>T. VCF-style: chr14-45151447-A-T. GRCh37 (hg19) VCF-style: chr14-45620650-A-T.
Other names: c.891A>T, p.Arg297Ser (NM_001308133.2); c.969A>T, p.Arg323Ser (NM_001308134.2); short protein forms R297S, R323S.
Identifiers: ClinVar variation 4022739 (VCV004022739.1).

ClinVar aggregate classification (germline): Uncertain significance (1 of 4 stars; one submission).

Conditions:
Inborn genetic diseases. Identifiers: MedGen C0950123, MeSH D030342.

Submission:

Ambry Genetics
Classification: Uncertain significance for Inborn genetic diseases. Last evaluated: 2025-05-02. Review status: criteria provided, single submitter. Criteria: Ambry Variant Classification Scheme 2023. Collection method: clinical testing. Allele origin: germline.
Comment: The p.R323S variant (also known as c.969A>T), located in coding exon 5 of the FANCM gene, results from an A to T substitution at nucleotide position 969. The arginine at codon 323 is replaced by serine, an amino acid with dissimilar properties. This amino acid position is conserved. In addition, this alteration is predicted to be tolerated by in silico analysis. Based on the available evidence, the clinical significance of this variant remains unclear.